The following is an entry in ClinVar:

ClinVar aggregate classification (germline): Uncertain significance. Review status: criteria provided, multiple submitters, no conflicts (2 of 4 stars). 2 submissions from 2 submitters: Uncertain significance (2). Last evaluated 2025-04-03.

Conditions:
Inborn genetic diseases. Identifiers: MedGen C0950123, MeSH D030342.

gnomAD v4.1: 10 of 1,206,137 alleles (0.00083%); highest among the groups gnomAD compares: Admixed American, 0.02%; no homozygotes.

Submissions (2):

Ambry Genetics
Classification: Uncertain significance for Inborn genetic diseases. Last evaluated: 2025-04-03. Review status: criteria provided, single submitter. Criteria: Ambry Variant Classification Scheme 2023. Collection method: clinical testing. Allele origin: germline.

Labcorp Genetics (formerly Invitae), Labcorp
Classification: Uncertain significance. Last evaluated: 2024-06-14. Review status: criteria provided, single submitter. Criteria: Invitae Variant Classification Sherloc (09022015). Collection method: clinical testing. Allele origin: germline.
Comment: This sequence change replaces arginine, which is basic and polar, with tryptophan, which is neutral and slightly polar, at codon 438 of the CFP protein (p.Arg438Trp). This variant is present in population databases (no rsID available, gnomAD 0.02%). This variant has not been reported in the literature in individuals affected with CFP-related conditions. Advanced modeling of protein sequence and biophysical properties (such as structural, functional, and spatial information, amino acid conservation, physicochemical variation, residue mobility, and thermodynamic stability) performed at Invitae indicates that this missense variant is not expected to disrupt CFP protein function with a negative predictive value of 80%. In summary, the available evidence is currently insufficient to determine the role of this variant in disease. Therefore, it has been classified as a Variant of Uncertain Significance.

NM_001145252.3(CFP):c.1312C>T (p.Arg438Trp)

Gene: CFP (complement factor properdin; minus strand). Cytogenetic location: Xp11.23.
Variant type: single nucleotide variant.
Coding change: c.1312C>T on transcript NM_001145252.3 (MANE Select); coding-DNA position 1312, C replaced by T.
Protein change: p.Arg438Trp; replaces arginine 438 with tryptophan.
Molecular consequence: missense variant.
Genome position (GRCh38, 1-based): chrX:47,624,373, G>A on the plus strand (C>T on the coding strand, the complement: CFP is on the minus strand). VCF-style: chrX-47624373-G-A. GRCh37 (hg19) VCF-style: chrX-47483772-G-A.
Other names: c.1312C>T, p.Arg438Trp (NM_002621.2); short protein forms R438W.
Identifiers: ClinVar variation 3716983 (VCV003716983.3).